The following is an entry in ClinVar:

NM_003995.4(NPR2):c.388T>G (p.Ser130Ala)

Gene: NPR2 (natriuretic peptide receptor 2; plus strand). Cytogenetic location: 9p13.3.
Variant type: single nucleotide variant.
Coding change: c.388T>G on transcript NM_003995.4 (MANE Select); coding-DNA position 388, T replaced by G.
Protein change: p.Ser130Ala; replaces serine 130 with alanine.
Molecular consequence: missense variant.
Genome position (GRCh38, 1-based): chr9:35,792,796, T>G. VCF-style: chr9-35792796-T-G. GRCh37 (hg19) VCF-style: chr9-35792793-T-G.
Other names: c.388T>G, p.Ser130Ala (NM_001378923.1); short protein forms S130A.
Identifiers: ClinVar variation 2187732 (VCV002187732.4), dbSNP rs771529504, ClinGen allele CA5051444.

ClinVar aggregate classification (germline): Uncertain significance (1 of 4 stars; one submission).

Conditions:
Acromesomelic dysplasia 1, Maroteaux type (AMD1). Also called: ACROMESOMELIC DYSPLASIA 1; ST. HELENA DYSPLASIA. Identifiers: Orphanet 40, MedGen C1864356, MONDO:0011275, OMIM 602875.
Tall stature-scoliosis-macrodactyly of the great toes syndrome. Also called: Epiphyseal chondrodysplasia, miura type. Identifiers: Orphanet 329191, MedGen C4014690, MONDO:0014401, OMIM 615923.

Allele frequency attached by ClinVar (database versions not stated): gnomAD exomes below 0.00001; ExAC 0.00001; gnomAD 0.00001.
gnomAD v4.1: 7 of 1,614,076 alleles (0.00043%); highest among the groups gnomAD compares: Non-Finnish European, 0.00059%; no homozygotes.

Submission:

Labcorp Genetics (formerly Invitae), Labcorp
Classification: Uncertain significance for Tall stature-scoliosis-macrodactyly of the great toes syndrome; Acromesomelic dysplasia 1, Maroteaux type. Last evaluated: 2022-01-17. Review status: criteria provided, single submitter. Criteria: Invitae Variant Classification Sherloc (09022015). Collection method: clinical testing. Allele origin: germline.
Comment: In summary, the available evidence is currently insufficient to determine the role of this variant in disease. Therefore, it has been classified as a Variant of Uncertain Significance. This sequence change replaces serine, which is neutral and polar, with alanine, which is neutral and non-polar, at codon 130 of the NPR2 protein (p.Ser130Ala). This variant is present in population databases (rs771529504, gnomAD 0.002%). This variant has not been reported in the literature in individuals affected with NPR2-related conditions. Algorithms developed to predict the effect of missense changes on protein structure and function output the following: SIFT: "Tolerated"; PolyPhen-2: "Benign"; Align-GVGD: "Class C0". The alanine amino acid residue is found in multiple mammalian species, which suggests that this missense change does not adversely affect protein function.